The following is an entry in ClinVar:

NM_003998.4(NFKB1):c.457del (p.Thr153fs)

Gene: NFKB1 (nuclear factor kappa B subunit 1; plus strand). Cytogenetic location: 4q24.
Variant type: Deletion.
Coding change: c.457del on transcript NM_003998.4 (MANE Select); coding-DNA position 457, one base deleted (A; older notation c.457delA).
Protein change: p.Thr153fs; shifts the reading frame from threonine 153.
Molecular consequence: frameshift variant.
Genome position (GRCh38, 1-based): chr4:102,576,925, A deleted; the last of 3 consecutive A bases (chr4:102,576,923-102,576,925); deleting any one gives the same sequence. VCF-style (leftmost placement, unchanged base first): chr4-102576922-GA-G. GRCh37 (hg19) VCF-style: chr4-103498079-GA-G.
Other names: c.454del, p.Thr152fs (NM_001165412.2, NM_001319226.2, NM_001382627.1); c.457del, p.Thr153fs (NM_001382625.1, NM_001382626.1); c.415del, p.Thr139fs (NM_001382628.1); short protein forms T152fs, T139fs, T153fs.
Identifiers: ClinVar variation 4719359 (VCV004719359.1).
Genomic context (GRCh38, chr4:102,576,922, plus strand): 5'-TGTTTTTTCTCCAGCTTCGCAAACCTGGGTATACTTCATGTGACAAAGAAAAAAGTATTT[GA>G]AACACTGGAAGCACGAATGACAGAGGCGTGTATAAGGGGCTATAATCCTGGACTCTTGGT-3'

ClinVar aggregate classification (germline): Pathogenic (1 of 4 stars; one submission).

Submission:

Labcorp Genetics (formerly Invitae), Labcorp
Classification: Pathogenic. Last evaluated: 2025-07-05. Review status: criteria provided, single submitter. Criteria: Invitae Variant Classification Sherloc (09022015). Collection method: clinical testing. Allele origin: germline.
Comment: This sequence change creates a premature translational stop signal (p.Thr153Hisfs*6) in the NFKB1 gene. It is expected to result in an absent or disrupted protein product. Loss-of-function variants in NFKB1 are known to be pathogenic (PMID: 26279205, 29477724). This variant is not present in population databases (gnomAD no frequency). This variant has not been reported in the literature in individuals affected with NFKB1-related conditions. For these reasons, this variant has been classified as Pathogenic.

Literature cited by the submitters: PubMed 26279205; PubMed 29477724.